The following is an entry in ClinVar:

ClinVar aggregate classification (germline): Pathogenic (1 of 4 stars; one submission).

Submission:

Labcorp Genetics (formerly Invitae), Labcorp
Classification: Pathogenic. Last evaluated: 2023-10-05. Review status: criteria provided, single submitter. Criteria: Invitae Variant Classification Sherloc (09022015). Collection method: clinical testing. Allele origin: germline.
Comment: This sequence change creates a premature translational stop signal (p.Ser497Valfs*14) in the FAM161A gene. It is expected to result in an absent or disrupted protein product. Loss-of-function variants in FAM161A are known to be pathogenic (PMID: 20705278, 20705279, 24651477). This variant is not present in population databases (gnomAD no frequency). This variant has not been reported in the literature in individuals affected with FAM161A-related conditions. For these reasons, this variant has been classified as Pathogenic.

Literature cited by the submitters: PubMed 20705278; PubMed 20705279; PubMed 24651477.

NM_001201543.2(FAM161A):c.1488dup (p.Ser497fs)

Gene: FAM161A (FAM161 centrosomal protein A; minus strand). Cytogenetic location: 2p15.
Variant type: Duplication.
Coding change: c.1488dup on transcript NM_001201543.2 (MANE Select); coding-DNA position 1488, one base duplicated (G; older notation c.1488dupG).
Protein change: p.Ser497fs; shifts the reading frame from serine 497.
Molecular consequence: frameshift variant. On other transcripts: non-coding transcript variant (1).
Genome position (GRCh38, 1-based): chr2:61,839,516, C duplicated on the plus strand (G on the coding strand, the reverse complement: FAM161A is on the minus strand). VCF-style (leftmost placement, unchanged base first): chr2-61839515-A-AC. GRCh37 (hg19) VCF-style: chr2-62066650-A-AC.
Other names: c.1488dup, p.Ser497fs (NM_032180.3); short protein forms S497fs.
Identifiers: ClinVar variation 2765851 (VCV002765851.3), dbSNP rs2466022643, ClinGen allele CA2697548197.
Genomic context (GRCh38, chr2:61,839,515, plus strand): 5'-TGGGCACGGGAGGGTTGCAGTTACAAGGCACAGGGTTTACACCTGCACATCTTACTGGTG[A>AC]CTTACGCCTTGGAGACAAATAAGGCCAACGTGTTTCTTTTAAATTTTCTTCATCTGCTTC-3'